The following is an entry in ClinVar:

ClinVar aggregate classification (germline): Uncertain significance. Review status: criteria provided, multiple submitters, no conflicts (2 of 4 stars). 2 submissions from 2 submitters: Uncertain significance (2). Last evaluated 2024-07-21.

Conditions:
Hereditary cancer-predisposing syndrome. Also called: Hereditary neoplastic syndrome; Hereditary Cancer Syndrome; Neoplastic Syndromes, Hereditary; Tumor predisposition. Identifiers: Orphanet 140162, MedGen C0027672, MeSH D009386, MONDO:0015356.
Bloom syndrome (BLM). Also called: Bloom-Torre-Machacek syndrome. Identifiers: Orphanet 125, MedGen C0005859, MONDO:0008876, OMIM 210900.

Allele frequency attached by ClinVar (database versions not stated): gnomAD exomes below 0.00001.
gnomAD v4.1: 1 of 1,613,178 alleles (0.000062%); highest among the groups gnomAD compares: Non-Finnish European, 0.000085%; no homozygotes.

Submissions (2):

Labcorp Genetics (formerly Invitae), Labcorp
Classification: Uncertain significance for Bloom syndrome. Last evaluated: 2024-07-21. Review status: criteria provided, single submitter. Criteria: Invitae Variant Classification Sherloc (09022015). Collection method: clinical testing. Allele origin: germline.
Comment: This sequence change replaces threonine, which is neutral and polar, with isoleucine, which is neutral and non-polar, at codon 165 of the BLM protein (p.Thr165Ile). This variant is not present in population databases (gnomAD no frequency). This variant has not been reported in the literature in individuals affected with BLM-related conditions. ClinVar contains an entry for this variant (Variation ID: 2566808). An algorithm developed to predict the effect of missense changes on protein structure and function (PolyPhen-2) suggests that this variant is likely to be tolerated. In summary, the available evidence is currently insufficient to determine the role of this variant in disease. Therefore, it has been classified as a Variant of Uncertain Significance.

Ambry Genetics
Classification: Uncertain significance for Hereditary cancer-predisposing syndrome. Last evaluated: 2023-03-27. Review status: criteria provided, single submitter. Criteria: Ambry Variant Classification Scheme 2023. Collection method: clinical testing. Allele origin: germline.
Comment: The p.T165I variant (also known as c.494C>T), located in coding exon 2 of the BLM gene, results from a C to T substitution at nucleotide position 494. The threonine at codon 165 is replaced by isoleucine, an amino acid with similar properties. This amino acid position is conserved. In addition, this alteration is predicted to be tolerated by in silico analysis. Since supporting evidence is limited at this time, the clinical significance of this alteration remains unclear.

NM_000057.4(BLM):c.494C>T (p.Thr165Ile)

Gene: BLM (BLM RecQ like helicase; plus strand). Cytogenetic location: 15q26.1.
Variant type: single nucleotide variant.
Coding change: c.494C>T on transcript NM_000057.4 (MANE Select); coding-DNA position 494, C replaced by T.
Protein change: p.Thr165Ile; replaces threonine 165 with isoleucine.
Molecular consequence: missense variant. On other transcripts: 5 prime UTR variant (1).
Genome position (GRCh38, 1-based): chr15:90,749,762, C>T. VCF-style: chr15-90749762-C-T. GRCh37 (hg19) VCF-style: chr15-91292992-C-T.
Other names: c.494C>T, p.Thr165Ile (NM_001287246.2, NM_001287247.2); c.-798C>T (NM_001287248.2); short protein forms T165I.
Identifiers: ClinVar variation 2566808 (VCV002566808.4), dbSNP rs2505392869, ClinGen allele CA393840913.
Genomic context (GRCh38, chr15:90,749,762, plus strand): 5'-CAGATTCTTTAAGTACCATCAATGATTGGGATGATATGGATGACTTTGATACTTCTGAGA[C>T]TTCAAAATCATTTGTTACACCACCCCAAAGTCACTTTGTAAGAGTAAGCACTGCTCAGAA-3'
Protein context (NP_000048.1, residues 155-175): DDMDDFDTSE[Thr165Ile]SKSFVTPPQS